The following is an entry in ClinVar:

NM_000110.4(DPYD):c.772G>A (p.Gly258Ser)

Gene: DPYD (dihydropyrimidine dehydrogenase; minus strand). Cytogenetic location: 1p21.3.
Variant type: single nucleotide variant.
Coding change: c.772G>A on transcript NM_000110.4 (MANE Select); coding-DNA position 772, G replaced by A.
Protein change: p.Gly258Ser; replaces glycine 258 with serine.
Molecular consequence: missense variant.
Genome position (GRCh38, 1-based): chr1:97,679,173, C>T on the plus strand (G>A on the coding strand, the complement: DPYD is on the minus strand). VCF-style: chr1-97679173-C-T. GRCh37 (hg19) VCF-style: chr1-98144729-C-T.
Other names: short protein forms G258S.
Identifiers: ClinVar variation 2634579 (VCV002634579.3), dbSNP rs141726921, ClinGen allele CA963551.

ClinVar aggregate classification (germline): Uncertain significance. Review status: criteria provided, multiple submitters, no conflicts (2 of 4 stars). 2 submissions from 2 submitters: Uncertain significance (2). Last evaluated 2025-08-15.

Conditions:
DPYD-related disorder. Also called: DPYD-related condition.

Allele frequency attached by ClinVar (database versions not stated): TOPMed 0.00006; ESP Exome Variant Server 0.00008; gnomAD 0.00009; gnomAD exomes 0.00009; ExAC 0.00014; 1000 Genomes Project 30x 0.00016; 1000 Genomes Project 0.00020.
gnomAD v4.1: 141 of 1,556,944 alleles (0.0091%); highest among the groups gnomAD compares: Admixed American, 0.016%; 1 homozygote.

Submissions (2):

PreventionGenetics, part of Exact Sciences
Classification: Uncertain significance for DPYD-related condition. Last evaluated: 2025-08-15. Review status: criteria provided, single submitter. Criteria: ACMG Guidelines, 2015. Collection method: clinical testing. Allele origin: germline.
Comment: The DPYD c.772G>A variant is predicted to result in the amino acid substitution p.Gly258Ser. To our knowledge, this variant has not been reported in individuals affected with DPYD-related disease in the literature. This variant is reported in 0.019% of alleles in individuals of South Asian descent in gnomAD, including one homozygote. An in vitro experimental study suggests this variant leads to higher enzyme activity compared to wildtype (Shrestha et al. 2018. PubMed ID: 29327356). At this time, the clinical significance of this variant is uncertain due to the absence of conclusive functional and genetic evidence.

Women's Health and Genetics/Laboratory Corporation of America, LabCorp
Classification: Uncertain significance. Last evaluated: 2024-07-31. Review status: criteria provided, single submitter. Criteria: LabCorp Variant Classification Summary - May 2015. Collection method: clinical testing. Allele origin: germline.
Comment: Variant summary: DPYD c.772G>A (p.Gly258Ser) results in a non-conservative amino acid change located in the FAD/NAD(P)-binding domain (IPR023753) of the encoded protein sequence. Four of five in-silico tools predict a damaging effect of the variant on protein function. The variant allele was found at a frequency of 9.6e-05 in 218062 control chromosomes in the gnomAD database, including 1 homozygote. This frequency is not significantly higher than estimated for a pathogenic variant in DPYD causing Dihydropyrimidine Dehydrogenase Deficiency (9.6e-05 vs 0.0025), allowing no conclusion about variant significance. To our knowledge, c.772G>A has not been reported in the literature in individuals affected with Dihydropyrimidine Dehydrogenase Deficiency. At least one publication reports experimental evidence evaluating an impact on protein function. These results showed in vitro enzyme activity slightly higher than WT levels (e.g. Shrestha_2018). The following publications have been ascertained in the context of this evaluation (PMID: 27727460, 29327356). ClinVar contains an entry for this variant (Variation ID: 2634579). Based on the evidence outlined above, the variant was classified as uncertain significance.

Literature cited by the submitters: PubMed 27727460 (cited by Women's Health and Genetics/Laboratory Corporation of America, LabCorp); PubMed 29327356 (cited by Women's Health and Genetics/Laboratory Corporation of America, LabCorp).